The following is an entry in ClinVar:

NM_015599.3(PGM3):c.1277T>C (p.Ile426Thr)

Gene: PGM3 (phosphoglucomutase 3; minus strand). Cytogenetic location: 6q14.1.
Variant type: single nucleotide variant.
Coding change: c.1277T>C on transcript NM_015599.3 (MANE Select); coding-DNA position 1277, T replaced by C.
Protein change: p.Ile426Thr; replaces isoleucine 426 with threonine.
Molecular consequence: missense variant. On other transcripts: non-coding transcript variant (1), intron variant (1).
Genome position (GRCh38, 1-based): chr6:83,172,025, A>G on the plus strand (T>C on the coding strand, the complement: PGM3 is on the minus strand). VCF-style: chr6-83172025-A-G. GRCh37 (hg19) VCF-style: chr6-83881744-A-G.
Other names: c.1361T>C, p.Ile454Thr (NM_001199917.2, NM_001367287.1); c.1034T>C, p.Ile345Thr (NM_001199918.2); c.1277T>C, p.Ile426Thr (NM_001199919.2); c.1243-1547T>C (NM_001367286.1); short protein forms I454T, I345T, I426T.
Identifiers: ClinVar variation 1940765 (VCV001940765.4), dbSNP rs1787247116, ClinGen allele CA364879465.
Genomic context (GRCh38, chr6:83,172,025, plus strand): 5'-TCTGTATAGAGAGCATCCCACTGTTGTACAGTCAAGCCCTTCAGAGCCAAGATTGCTTCA[A>G]TCACCAGCATGTCAGAAATAGCATCACCAGCTGCCTGCAAATGGGGAAACAAATGGAAGA-3'
Protein context (NP_056414.1, residues 416-436): AGDAISDMLV[Ile426Thr]EAILALKGLT

ClinVar aggregate classification (germline): Uncertain significance (1 of 4 stars; one submission).

Conditions:
Immunodeficiency 23 (IMD23). Also called: IMMUNODEFICIENCY WITH HYPER IgE AND COGNITIVE IMPAIRMENT; IMMUNODEFICIENCY-VASCULITIS-MYOCLONUS SYNDROME. Identifiers: Orphanet 443811, MedGen C4014371, MONDO:0014353, OMIM 615816.

Allele frequency attached by ClinVar (database versions not stated): TOPMed below 0.00001.

Submission:

Labcorp Genetics (formerly Invitae), Labcorp
Classification: Uncertain significance for Immunodeficiency 23. Last evaluated: 2024-10-17. Review status: criteria provided, single submitter. Criteria: Invitae Variant Classification Sherloc (09022015). Collection method: clinical testing. Allele origin: germline.
Comment: This sequence change replaces isoleucine, which is neutral and non-polar, with threonine, which is neutral and polar, at codon 454 of the PGM3 protein (p.Ile454Thr). This variant is not present in population databases (gnomAD no frequency). This variant has not been reported in the literature in individuals affected with PGM3-related conditions. ClinVar contains an entry for this variant (Variation ID: 1940765). An algorithm developed to predict the effect of missense changes on protein structure and function outputs the following: PolyPhen-2: "Benign". The threonine amino acid residue is found in multiple mammalian species, which suggests that this missense change does not adversely affect protein function. In summary, the available evidence is currently insufficient to determine the role of this variant in disease. Therefore, it has been classified as a Variant of Uncertain Significance.